The following is an entry in ClinVar:

NM_004562.3(PRKN):c.135C>T (p.Phe45=)

Gene: PRKN (parkin RBR E3 ubiquitin protein ligase; minus strand). Cytogenetic location: 6q26.
Variant type: single nucleotide variant.
Coding change: c.135C>T on transcript NM_004562.3 (MANE Select); coding-DNA position 135, C replaced by T.
Protein change: p.Phe45=; no amino-acid change (phenylalanine 45 retained).
Molecular consequence: synonymous variant.
Genome position (GRCh38, 1-based): chr6:162,443,346, G>A on the plus strand (C>T on the coding strand, the complement: PRKN is on the minus strand). VCF-style: chr6-162443346-G-A. GRCh37 (hg19) VCF-style: chr6-162864378-G-A.
Other names: c.135C>T, p.Phe45= (NM_013987.3, NM_013988.3).
Identifiers: ClinVar variation 2162364 (VCV002162364.5), dbSNP rs763638925, ClinGen allele CA4090503.

ClinVar aggregate classification (germline): Likely benign. Review status: criteria provided, multiple submitters, no conflicts (2 of 4 stars). 2 submissions from 2 submitters: Likely benign (2). Last evaluated 2026-08-01.

Allele frequency attached by ClinVar (database versions not stated): gnomAD exomes 0.00001; ExAC 0.00003; TOPMed 0.00005; gnomAD 0.00007.
gnomAD v4.1: 33 of 1,612,910 alleles (0.002%); highest among the groups gnomAD compares: African/African-American, 0.013%; no homozygotes.

Submissions (2):

CeGaT Center for Human Genetics Tuebingen
Classification: Likely benign. Last evaluated: 2026-08-01. Review status: criteria provided, single submitter. Criteria: CeGaT Center For Human Genetics Tuebingen Variant Classification Criteria Version 2. Collection method: clinical testing. Allele origin: germline. Affected: yes. Observed: 1 variant allele.
Comment: PRKN: BP4, BP7

Labcorp Genetics (formerly Invitae), Labcorp
Classification: Likely benign. Last evaluated: 2025-12-08. Review status: criteria provided, single submitter. Criteria: Invitae Variant Classification Sherloc (09022015). Collection method: clinical testing. Allele origin: germline.